The following is an entry in ClinVar:

NM_003900.5(SQSTM1):c.150_157del (p.Val51fs)

Genes: SQSTM1 (sequestosome 1; plus strand), LOC129995449 (ATAC-STARR-seq lymphoblastoid silent region 16749; plus strand). Cytogenetic location: 5q35.3.
Variant type: Deletion.
Coding change: c.150_157del on transcript NM_003900.5 (MANE Select); coding-DNA positions 150 to 157, 8 bases deleted (GGTGGCCG; older notation c.150_157delGGTGGCCG).
Protein change: p.Val51fs; shifts the reading frame from valine 51.
Molecular consequence: frameshift variant. On other transcripts: intron variant (2).
Genome position (GRCh38, 1-based): chr5:179,821,086-179,821,093, GGTGGCCG deleted; deleting any 8 consecutive bases within chr5:179,821,082-179,821,093 gives the same sequence; the c. name uses the placement nearest the transcript's 3' end. VCF-style (leftmost placement, unchanged base first): chr5-179821081-AGCCGGGTG-A. GRCh37 (hg19) VCF-style: chr5-179248081-AGCCGGGTG-A.
Other names: c.-47-1872_-47-1865del (NM_001142298.2, NM_001142299.2); short protein forms V51fs.
Identifiers: ClinVar variation 4787838 (VCV004787838.1).

ClinVar aggregate classification (germline): Pathogenic (1 of 4 stars; one submission).

Conditions:
Frontotemporal dementia and/or amyotrophic lateral sclerosis 1 (FTDALS1). Also called: C9orf72 Frontotemporal Dementia and/or Amyotrophic Lateral Sclerosis; Frontotemporal dementia with motor neuron disease 1. Identifiers: Orphanet 275872, MedGen C5779877, MONDO:0007105, OMIM 105550.
Paget disease of bone 2, early-onset (PDB2). Also called: Paget disease of bone 2. Identifiers: MedGen C4085251, MONDO:0011183, OMIM 602080.

Submission:

Labcorp Genetics (formerly Invitae), Labcorp
Classification: Pathogenic for Paget disease of bone 2, early-onset; Frontotemporal dementia and/or amyotrophic lateral sclerosis 1. Last evaluated: 2025-11-10. Review status: criteria provided, single submitter. Criteria: Invitae Variant Classification Sherloc (09022015). Collection method: clinical testing. Allele origin: germline.
Comment: This sequence change creates a premature translational stop signal (p.Val51Profs*17) in the SQSTM1 gene. It is expected to result in an absent or disrupted protein product. Loss-of-function variants in SQSTM1 are known to be pathogenic (PMID: 27545679, 29959261). This variant is not present in population databases (gnomAD no frequency). This variant has not been reported in the literature in individuals affected with SQSTM1-related conditions. For these reasons, this variant has been classified as Pathogenic.

Literature cited by the submitters: PubMed 27545679; PubMed 29959261.